The following is an entry in ClinVar:

NM_020338.4(ZMIZ1):c.3055G>A (p.Gly1019Arg)

Gene: ZMIZ1 (zinc finger MIZ-type containing 1; plus strand). Cytogenetic location: 10q22.3.
Variant type: single nucleotide variant.
Coding change: c.3055G>A on transcript NM_020338.4 (MANE Select); coding-DNA position 3055, G replaced by A.
Protein change: p.Gly1019Arg; replaces glycine 1019 with arginine.
Molecular consequence: missense variant.
Genome position (GRCh38, 1-based): chr10:79,311,143, G>A. VCF-style: chr10-79311143-G-A. GRCh37 (hg19) VCF-style: chr10-81070900-G-A.
Other names: short protein forms G1019R.
Identifiers: ClinVar variation 2597248 (VCV002597248.4), dbSNP rs201282468, ClinGen allele CA5573177.

ClinVar aggregate classification (germline): Conflicting classifications of pathogenicity. Review status: criteria provided, conflicting classifications (1 of 4 stars). 2 submissions from 2 submitters: Uncertain significance (1); Likely benign (1). Last evaluated 2024-06-11.

Conditions:
Inborn genetic diseases. Identifiers: MedGen C0950123, MeSH D030342.

Allele frequency attached by ClinVar (database versions not stated): TOPMed 0.00001; ExAC 0.00003; gnomAD 0.00003; ESP Exome Variant Server 0.00008; 1000 Genomes Project 30x 0.00016; 1000 Genomes Project 0.00020.
gnomAD v4.1: 52 of 1,613,482 alleles (0.0032%); highest among the groups gnomAD compares: South Asian, 0.0077%; no homozygotes.

Submissions (2):

Labcorp Genetics (formerly Invitae), Labcorp
Classification: Uncertain significance. Last evaluated: 2024-06-11. Review status: criteria provided, single submitter. Criteria: Invitae Variant Classification Sherloc (09022015). Collection method: clinical testing. Allele origin: germline.
Comment: This sequence change replaces glycine, which is neutral and non-polar, with arginine, which is basic and polar, at codon 1019 of the ZMIZ1 protein (p.Gly1019Arg). This variant is present in population databases (rs201282468, gnomAD 0.01%). This variant has not been reported in the literature in individuals affected with ZMIZ1-related conditions. ClinVar contains an entry for this variant (Variation ID: 2597248). Advanced modeling of protein sequence and biophysical properties (such as structural, functional, and spatial information, amino acid conservation, physicochemical variation, residue mobility, and thermodynamic stability) has been performed at Invitae for this missense variant, however the output from this modeling did not meet the statistical confidence thresholds required to predict the impact of this variant on ZMIZ1 protein function. In summary, the available evidence is currently insufficient to determine the role of this variant in disease. Therefore, it has been classified as a Variant of Uncertain Significance.

Ambry Genetics
Classification: Likely benign for Inborn genetic diseases. Last evaluated: 2023-08-08. Review status: criteria provided, single submitter. Criteria: Ambry Variant Classification Scheme 2023. Collection method: clinical testing. Allele origin: germline.